The following is an entry in ClinVar:

ClinVar aggregate classification (germline): Pathogenic (1 of 4 stars; one submission).

Submission:

Labcorp Genetics (formerly Invitae), Labcorp
Classification: Pathogenic. Last evaluated: 2024-01-19. Review status: criteria provided, single submitter. Criteria: Invitae Variant Classification Sherloc (09022015). Collection method: clinical testing. Allele origin: unknown.
Comment: This variant is a gross deletion of the genomic region encompassing exon(s) 2-8 of the BMP1 gene. This deletion is out-of-frame, and is expected to create a premature termination codon and result in an absent or disrupted protein product. Loss-of-function variants in BMP1 are known to be pathogenic (PMID: 25656619, 27576954, 28257626). This variant has not been reported in the literature in individuals affected with BMP1-related conditions. For these reasons, this variant has been classified as Pathogenic.

Literature cited by the submitters: PubMed 25656619; PubMed 27576954; PubMed 28257626.

NC_000008.10:g.(?_22031095)_(22038016_?)del

Gene: BMP1 (bone morphogenetic protein 1; plus strand). Cytogenetic location: 8p21.3.
Variant type: Deletion.
Identifiers: ClinVar variation 3245573 (VCV003245573.1).